The following is an entry in ClinVar:

NM_032273.4(TMEM126A):c.493C>G (p.Leu165Val)

Gene: TMEM126A (transmembrane protein 126A; plus strand). Cytogenetic location: 11q14.1.
Variant type: single nucleotide variant.
Coding change: c.493C>G on transcript NM_032273.4 (MANE Select); coding-DNA position 493, C replaced by G.
Protein change: p.Leu165Val; replaces leucine 165 with valine.
Molecular consequence: missense variant.
Genome position (GRCh38, 1-based): chr11:85,656,406, C>G. VCF-style: chr11-85656406-C-G. GRCh37 (hg19) VCF-style: chr11-85367450-C-G.
Other names: c.283C>G, p.Leu95Val (NM_001244735.2); short protein forms L165V, L95V.
Identifiers: ClinVar variation 1483235 (VCV001483235.8), dbSNP rs201622292, ClinGen allele CA6212832.

ClinVar aggregate classification (germline): Uncertain significance (1 of 4 stars; one submission).

Allele frequency attached by ClinVar (database versions not stated): ExAC 0.00006; gnomAD 0.00006; 1000 Genomes Project 30x 0.00016; 1000 Genomes Project 0.00020.
gnomAD v4.1: 47 of 1,613,240 alleles (0.0029%); no homozygotes.

Submission:

Labcorp Genetics (formerly Invitae), Labcorp
Classification: Uncertain significance. Last evaluated: 2026-01-19. Review status: criteria provided, single submitter. Criteria: Invitae Variant Classification Sherloc (09022015). Collection method: clinical testing. Allele origin: germline.
Comment: This sequence change replaces leucine, which is neutral and non-polar, with valine, which is neutral and non-polar, at codon 165 of the TMEM126A protein (p.Leu165Val). This variant is present in population databases (rs201622292, gnomAD 0.09%). This variant has not been reported in the literature in individuals affected with TMEM126A-related conditions. ClinVar contains an entry for this variant (Variation ID: 1483235). An algorithm developed to predict the effect of missense changes on protein structure and function (PolyPhen-2) suggests that this variant is likely to be disruptive. In summary, the available evidence is currently insufficient to determine the role of this variant in disease. Therefore, it has been classified as a Variant of Uncertain Significance.